The following is an entry in ClinVar:

NM_001134407.3(GRIN2A):c.2933A>T (p.Tyr978Phe)

Gene: GRIN2A (glutamate ionotropic receptor NMDA type subunit 2A; minus strand). Cytogenetic location: 16p13.2.
Variant type: single nucleotide variant.
Coding change: c.2933A>T on transcript NM_001134407.3 (MANE Select); coding-DNA position 2933, A replaced by T.
Protein change: p.Tyr978Phe; replaces tyrosine 978 with phenylalanine.
Molecular consequence: missense variant.
Genome position (GRCh38, 1-based): chr16:9,764,611, T>A on the plus strand (A>T on the coding strand, the complement: GRIN2A is on the minus strand). VCF-style: chr16-9764611-T-A. GRCh37 (hg19) VCF-style: chr16-9858468-T-A.
Other names: c.2933A>T (NM_000833.3); c.2933A>T, p.Tyr978Phe (NM_000833.5, NM_001134408.2); short protein forms Y978F.
Identifiers: ClinVar variation 1447935 (VCV001447935.10), dbSNP rs948782419, ClinGen allele CA394709031.

ClinVar aggregate classification (germline): Uncertain significance. Review status: criteria provided, multiple submitters, no conflicts (2 of 4 stars). 3 submissions from 3 submitters: Uncertain significance (3). Last evaluated 2025-10-29.

Conditions:
Landau-Kleffner syndrome (FESD). Also called: EPILEPSY, FOCAL, WITH SPEECH DISORDER AND WITH OR WITHOUT MENTAL RETARDATION; APHASIA, ACQUIRED, WITH EPILEPSY. Identifiers: Orphanet 1945, Orphanet 725, Orphanet 98818, MedGen C0282512, MONDO:0009509, OMIM 245570.

gnomAD v4.1: 1 of 1,614,094 alleles (0.000062%); highest among the groups gnomAD compares: Non-Finnish European, 0.000085%; no homozygotes.

Submissions (3):

GeneDx
Classification: Uncertain significance. Last evaluated: 2025-10-29. Review status: criteria provided, single submitter. Criteria: GeneDx Variant Classification Process June 2021. Collection method: clinical testing. Allele origin: germline.
Comment: Not observed at significant frequency in large population cohorts (gnomAD); In silico analysis suggests that this missense variant does not alter protein structure/function; Has not been previously published as pathogenic or benign to our knowledge

Fulgent Genetics
Classification: Uncertain significance for Landau-Kleffner syndrome. Last evaluated: 2024-05-02. Review status: criteria provided, single submitter. Criteria: ACMG Guidelines, 2015. Collection method: clinical testing. Allele origin: germline.

Labcorp Genetics (formerly Invitae), Labcorp
Classification: Uncertain significance for Landau-Kleffner syndrome. Last evaluated: 2022-09-06. Review status: criteria provided, single submitter. Criteria: Invitae Variant Classification Sherloc (09022015). Collection method: clinical testing. Allele origin: germline.
Comment: This variant has not been reported in the literature in individuals affected with GRIN2A-related conditions. In summary, the available evidence is currently insufficient to determine the role of this variant in disease. Therefore, it has been classified as a Variant of Uncertain Significance. Advanced modeling of protein sequence and biophysical properties (such as structural, functional, and spatial information, amino acid conservation, physicochemical variation, residue mobility, and thermodynamic stability) performed at Invitae indicates that this missense variant is not expected to disrupt GRIN2A protein function. ClinVar contains an entry for this variant (Variation ID: 1447935). This variant is not present in population databases (gnomAD no frequency). This sequence change replaces tyrosine, which is neutral and polar, with phenylalanine, which is neutral and non-polar, at codon 978 of the GRIN2A protein (p.Tyr978Phe).